The following is an entry in ClinVar:

NM_001852.4(COL9A2):c.1010G>A (p.Gly337Asp)

Gene: COL9A2 (collagen type IX alpha 2 chain; minus strand). Cytogenetic location: 1p34.2.
Variant type: single nucleotide variant.
Coding change: c.1010G>A on transcript NM_001852.4 (MANE Select); coding-DNA position 1010, G replaced by A.
Protein change: p.Gly337Asp; replaces glycine 337 with aspartic acid.
Molecular consequence: missense variant.
Genome position (GRCh38, 1-based): chr1:40,306,186, C>T on the plus strand (G>A on the coding strand, the complement: COL9A2 is on the minus strand). VCF-style: chr1-40306186-C-T. GRCh37 (hg19) VCF-style: chr1-40771858-C-T.
Other names: short protein forms G337D.
Identifiers: ClinVar variation 1480557 (VCV001480557.6), dbSNP rs199502479, ClinGen allele CA339851532.

ClinVar aggregate classification (germline): Uncertain significance (1 of 4 stars; one submission).

Submission:

Labcorp Genetics (formerly Invitae), Labcorp
Classification: Uncertain significance. Last evaluated: 2024-10-23. Review status: criteria provided, single submitter. Criteria: Invitae Variant Classification Sherloc (09022015). Collection method: clinical testing. Allele origin: germline.
Comment: This sequence change replaces glycine, which is neutral and non-polar, with aspartic acid, which is acidic and polar, at codon 337 of the COL9A2 protein (p.Gly337Asp). This variant is not present in population databases (gnomAD no frequency). This variant has not been reported in the literature in individuals affected with COL9A2-related conditions. ClinVar contains an entry for this variant (Variation ID: 1480557). An algorithm developed to predict the effect of missense changes on protein structure and function (PolyPhen-2) suggests that this variant is likely to be disruptive. In summary, the available evidence is currently insufficient to determine the role of this variant in disease. Therefore, it has been classified as a Variant of Uncertain Significance.